The following is an entry in ClinVar:

ClinVar aggregate classification (germline): Likely benign. Review status: criteria provided, multiple submitters, no conflicts (2 of 4 stars). 6 submissions from 6 submitters: Likely benign (4). 2 of the submissions do not count toward it. Last evaluated 2026-02-01.

Conditions:
Cardiovascular phenotype. Identifiers: MedGen CN230736.
Brugada syndrome 8 (BRGDA8). Identifiers: Orphanet 130, MedGen C2751083, MONDO:0013148, OMIM 613123.

Allele frequency attached by ClinVar (database versions not stated): ExAC 0.00003; gnomAD exomes 0.00003 and 0.00006; ESP Exome Variant Server 0.00015; gnomAD 0.00015 and 0.00016; TOPMed 0.00019.
gnomAD v4.1: 61 of 1,607,776 alleles (0.0038%); highest among the groups gnomAD compares: African/African-American, 0.04%; no homozygotes.

Submissions (6):

Labcorp Genetics (formerly Invitae), Labcorp
Classification: Likely benign for Brugada syndrome 8. Last evaluated: 2026-02-01. Review status: criteria provided, single submitter. Criteria: Invitae Variant Classification Sherloc (09022015). Collection method: clinical testing. Allele origin: germline.

Molecular Diagnostic Laboratory for Inherited Cardiovascular Disease, Montreal Heart Institute
Classification: Likely benign. Last evaluated: 2025-04-09. Review status: criteria provided, single submitter. Criteria: ACMG Guidelines, 2015. Collection method: clinical testing. Allele origin: germline. Affected: no.
Comment: BP6;BP7

GeneDx
Classification: Likely benign. Last evaluated: 2020-01-03. Review status: criteria provided, single submitter. Criteria: GeneDx Variant Classification Process June 2021. Collection method: clinical testing. Allele origin: germline. Affected: yes.

Ambry Genetics
Classification: Likely benign for Cardiovascular phenotype. Last evaluated: 2019-06-17. Review status: criteria provided, single submitter. Criteria: Ambry Variant Classification Scheme 2023. Collection method: clinical testing. Allele origin: germline.

Clinical Genetics DNA and cytogenetics Diagnostics Lab, Erasmus MC, Erasmus Medical Center
Classification: Likely benign. Review status: no assertion criteria provided. Collection method: clinical testing. Allele origin: germline. Affected: yes. Study: VKGL Data-share Consensus. Not counted in ClinVar's aggregate classification.

Clinical Genetics, Academic Medical Center
Classification: Benign. Review status: no assertion criteria provided. Collection method: clinical testing. Allele origin: germline. Affected: yes. Study: VKGL Data-share Consensus. Not counted in ClinVar's aggregate classification.

NM_005477.3(HCN4):c.2313C>T (p.Pro771=)

Gene: HCN4 (hyperpolarization activated cyclic nucleotide gated potassium channel 4; minus strand). Cytogenetic location: 15q24.1.
Variant type: single nucleotide variant.
Coding change: c.2313C>T on transcript NM_005477.3 (MANE Select); coding-DNA position 2313, C replaced by T.
Protein change: p.Pro771=; no amino-acid change (proline 771 retained).
Molecular consequence: synonymous variant.
Genome position (GRCh38, 1-based): chr15:73,323,780, G>A on the plus strand (C>T on the coding strand, the complement: HCN4 is on the minus strand). VCF-style: chr15-73323780-G-A. GRCh37 (hg19) VCF-style: chr15-73616121-G-A.
Identifiers: ClinVar variation 412797 (VCV000412797.17), dbSNP rs142298104, ClinGen allele CA7649047.